The following is an entry in ClinVar:

NM_020297.4(ABCC9):c.2529_2530del (p.Ile844fs)

Gene: ABCC9 (ATP binding cassette subfamily C member 9; minus strand). Cytogenetic location: 12p12.1.
Variant type: Deletion.
Coding change: c.2529_2530del on transcript NM_020297.4 (MANE Select); coding-DNA positions 2529 to 2530, 2 bases deleted (CA; older notation c.2529_2530delCA).
Protein change: p.Ile844fs; shifts the reading frame from isoleucine 844.
Molecular consequence: frameshift variant.
Genome position (GRCh38, 1-based): chr12:21,852,481-21,852,482, TG deleted on the plus strand (CA on the coding strand, the reverse complement: ABCC9 is on the minus strand); deleting any 2 consecutive bases within chr12:21,852,481-21,852,483 gives the same sequence; the c. name uses the placement nearest the transcript's 3' end. VCF-style (leftmost placement, unchanged base first): chr12-21852480-ATG-A. GRCh37 (hg19) VCF-style: chr12-22005414-ATG-A.
Other names: c.2529_2530del, p.Ile844fs (NM_001377273.1, NM_005691.4); c.1662_1663del, p.Ile555fs (NM_001377274.1); short protein forms I555fs, I844fs.
Identifiers: ClinVar variation 1057737 (VCV001057737.7), dbSNP rs2137444128, ClinGen allele CA2499221581.

ClinVar aggregate classification (germline): Pathogenic (1 of 4 stars; one submission).

Conditions:
Dilated cardiomyopathy 1O (CMD1O). Also called: CARDIOMYOPATHY, DILATED, WITH VENTRICULAR TACHYCARDIA. Identifiers: Orphanet 154, MedGen C1837839, MONDO:0012062, OMIM 608569.

Submission:

Labcorp Genetics (formerly Invitae), Labcorp
Classification: Pathogenic for Dilated cardiomyopathy 1O. Last evaluated: 2024-10-01. Review status: criteria provided, single submitter. Criteria: Invitae Variant Classification Sherloc (09022015). Collection method: clinical testing. Allele origin: germline.
Comment: This sequence change creates a premature translational stop signal (p.Ile844Serfs*4) in the ABCC9 gene. It is expected to result in an absent or disrupted protein product. Loss-of-function variants in ABCC9 are known to be pathogenic (PMID: 31575858, 38217872). This variant is not present in population databases (gnomAD no frequency). This variant has not been reported in the literature in individuals affected with ABCC9-related conditions. ClinVar contains an entry for this variant (Variation ID: 1057737). For these reasons, this variant has been classified as Pathogenic.

Literature cited by the submitters: PubMed 31575858; PubMed 38217872.